The following is an entry in ClinVar:

ClinVar aggregate classification (germline): Uncertain significance (1 of 4 stars; one submission).

Allele frequency attached by ClinVar (database versions not stated): gnomAD exomes below 0.00001.
gnomAD v4.1: 1 of 1,612,478 alleles (0.000062%); highest among the groups gnomAD compares: African/African-American, 0.0013%; no homozygotes.

Submission:

Labcorp Genetics (formerly Invitae), Labcorp
Classification: Uncertain significance. Last evaluated: 2022-08-31. Review status: criteria provided, single submitter. Criteria: Invitae Variant Classification Sherloc (09022015). Collection method: clinical testing. Allele origin: germline.
Comment: This sequence change replaces isoleucine, which is neutral and non-polar, with valine, which is neutral and non-polar, at codon 429 of the C9 protein (p.Ile429Val). This variant is not present in population databases (gnomAD no frequency). This variant has not been reported in the literature in individuals affected with C9-related conditions. Algorithms developed to predict the effect of missense changes on protein structure and function output the following: SIFT: "Not Available"; PolyPhen-2: "Benign"; Align-GVGD: "Not Available". The valine amino acid residue is found in multiple mammalian species, which suggests that this missense change does not adversely affect protein function. In summary, the available evidence is currently insufficient to determine the role of this variant in disease. Therefore, it has been classified as a Variant of Uncertain Significance.

NM_001737.5(C9):c.1285A>G (p.Ile429Val)

Gene: C9 (complement C9; minus strand). Cytogenetic location: 5p13.1.
Variant type: single nucleotide variant.
Coding change: c.1285A>G on transcript NM_001737.5 (MANE Select); coding-DNA position 1285, A replaced by G.
Protein change: p.Ile429Val; replaces isoleucine 429 with valine.
Molecular consequence: missense variant.
Genome position (GRCh38, 1-based): chr5:39,306,748, T>C on the plus strand (A>G on the coding strand, the complement: C9 is on the minus strand). VCF-style: chr5-39306748-T-C. GRCh37 (hg19) VCF-style: chr5-39306850-T-C.
Other names: short protein forms I429V.
Identifiers: ClinVar variation 2009840 (VCV002009840.4), dbSNP rs2479164644, ClinGen allele CA359553357.